The following is an entry in ClinVar:

NM_201384.3(PLEC):c.5256G>A (p.Glu1752=)

Gene: PLEC (plectin; minus strand). Cytogenetic location: 8q24.3.
Variant type: single nucleotide variant.
Coding change: c.5256G>A on transcript NM_201384.3 (MANE Select); coding-DNA position 5256, G replaced by A.
Protein change: p.Glu1752=; no amino-acid change (glutamic acid 1752 retained).
Molecular consequence: synonymous variant.
Genome position (GRCh38, 1-based): chr8:143,924,673, C>T on the plus strand (G>A on the coding strand, the complement: PLEC is on the minus strand). VCF-style: chr8-143924673-C-T. GRCh37 (hg19) VCF-style: chr8-144998841-C-T.
Other names: p.Glu1779=; c.5337G>A, p.Glu1779= (NM_000445.5); c.5214G>A, p.Glu1738= (NM_201378.4); c.5190G>A, p.Glu1730= (NM_201379.3); c.5667G>A, p.Glu1889= (NM_201380.4); c.5160G>A, p.Glu1720= (NM_201381.3); c.5256G>A, p.Glu1752= (NM_201382.4); c.5268G>A, p.Glu1756= (NM_201383.3).
Identifiers: ClinVar variation 539037 (VCV000539037.17), dbSNP rs782572982, ClinGen allele CA4926395.
Genomic context (GRCh38, chr8:143,924,673, plus strand): 5'-CGCCTTGCTGGCCAGCAGCACCTCCATCTCGGCCCGCACCTTGGCCAGCTCGGCTTCCAG[C>T]TCCTGCCGTTTCTGCGTGGCTGCAGCCGCCTCACGCTGCAGCCGGGCCAGCTCCTCCTCC-3'
Protein context (NP_958786.1, residues 1742-1762): EAAAATQKRQ[Glu1752=]LEAELAKVRA

ClinVar aggregate classification (germline): Likely benign. Review status: criteria provided, multiple submitters, no conflicts (2 of 4 stars). 5 submissions from 5 submitters: Likely benign (5). Last evaluated 2025-10-29.

Conditions:
PLEC-related disorder. Also called: PLEC-related disorders; PLEC-related condition.
Epidermolysis bullosa simplex, Ogna type (EBS5A). Also called: Pidermolysis bullosa simplex 5A, Ogna type; EPIDERMOLYSIS BULLOSA SIMPLEX 5A, OGNA TYPE. Identifiers: Orphanet 79401, MedGen C0432317, MONDO:0007555, OMIM 131950.
Epidermolysis bullosa simplex 5B, with muscular dystrophy (EBS5B). Also called: Epidermolysis bullosa simplex with muscular dystrophy; EPIDERMOLYSIS BULLOSA SIMPLEX AND LIMB-GIRDLE MUSCULAR DYSTROPHY. Identifiers: Orphanet 257, MedGen C2931072, MONDO:0009181, OMIM 226670.
Epidermolysis bullosa simplex with nail dystrophy (EBS5D). Identifiers: MedGen C4225309, MONDO:0014661, OMIM 616487.
Autosomal recessive limb-girdle muscular dystrophy type 2Q (LGMDR17). Also called: MUSCULAR DYSTROPHY, LIMB-GIRDLE, AUTOSOMAL RECESSIVE 17. Identifiers: Orphanet 254361, MedGen C3150989, MONDO:0013390, OMIM 613723.
Epidermolysis bullosa simplex 5C, with pyloric atresia (EBS5C). Also called: PLEC-Related Epidermolysis Bullosa with Pyloric Atresia; Epidermolysis bullosa simplex with pyloric atresia; PLEC1-Related Epidermolysis Bullosa with Pyloric Atresia. Identifiers: Orphanet 158684, MedGen C2677349, MONDO:0012807, OMIM 612138.

Allele frequency attached by ClinVar (database versions not stated): ExAC below 0.00001; TOPMed 0.00015.
gnomAD v4.1: 424 of 1,535,224 alleles (0.028%); highest among the groups gnomAD compares: Non-Finnish European, 0.035%; 2 homozygotes.

Submissions (5):

Labcorp Genetics (formerly Invitae), Labcorp
Classification: Likely benign for Autosomal recessive limb-girdle muscular dystrophy type 2Q; Epidermolysis bullosa simplex, Ogna type; Epidermolysis bullosa simplex with nail dystrophy; Epidermolysis bullosa simplex 5C, with pyloric atresia; Epidermolysis bullosa simplex 5B, with muscular dystrophy. Last evaluated: 2025-10-29. Review status: criteria provided, single submitter. Criteria: Invitae Variant Classification Sherloc (09022015). Collection method: clinical testing. Allele origin: germline.

PreventionGenetics, part of Exact Sciences
Classification: Likely benign for PLEC-related condition. Last evaluated: 2025-03-07. Review status: criteria provided, single submitter. Criteria: ACMG Guidelines, 2015. Collection method: clinical testing. Allele origin: germline.
Comment: This variant is classified as likely benign based on ACMG/AMP sequence variant interpretation guidelines (Richards et al. 2015 PMID: 25741868, with internal and published modifications).

Mayo Clinic Laboratories, Mayo Clinic
Classification: Likely benign. Last evaluated: 2025-03-05. Review status: criteria provided, single submitter. Criteria: ACMG Guidelines, 2015. Collection method: clinical testing. Allele origin: germline. Observed: 1 variant allele.
Comment: BP4, BP7

Blueprint Genetics
Classification: Likely benign. Last evaluated: 2022-09-28. Review status: criteria provided, single submitter. Criteria: ACMG Guidelines, 2015. Collection method: clinical testing. Allele origin: germline.

Breakthrough Genomics
Classification: Likely benign. Review status: criteria provided, single submitter. Criteria: ACMG Guidelines, 2015. Collection method: not provided. Allele origin: germline. Inheritance: Autosomal recessive inheritance. Affected: yes.